The following is an entry in ClinVar:

ClinVar aggregate classification (germline): Uncertain significance. Review status: criteria provided, multiple submitters, no conflicts (2 of 4 stars). 2 submissions from 2 submitters: Uncertain significance (2). Last evaluated 2025-01-02.

Conditions:
Cardiovascular phenotype. Identifiers: MedGen CN230736.
Catecholaminergic polymorphic ventricular tachycardia 1. Also called: RYR2-Related Catecholaminergic Polymorphic Ventricular Tachycardia; VENTRICULAR TACHYCARDIA, CATECHOLAMINERGIC POLYMORPHIC, 1, WITH OR WITHOUT ATRIAL DYSFUNCTION AND/OR DILATED CARDIOMYOPATHY; VENTRICULAR TACHYCARDIA, STRESS-INDUCED POLYMORPHIC 1. Identifiers: Orphanet 3286, MedGen C1631597, MONDO:0011484, OMIM 604772.

Allele frequency attached by ClinVar (database versions not stated): gnomAD 0.00001; gnomAD exomes 0.00001; TOPMed 0.00002.
gnomAD v4.1: 13 of 1,557,610 alleles (0.00083%); highest among the groups gnomAD compares: African/African-American, 0.0014%; no homozygotes.

Submissions (2):

Ambry Genetics
Classification: Uncertain significance for Cardiovascular phenotype. Last evaluated: 2025-01-02. Review status: criteria provided, single submitter. Criteria: Ambry Variant Classification Scheme 2023. Collection method: clinical testing. Allele origin: germline.
Comment: The c.991+3A>G intronic variant results from an A to G substitution 3 nucleotides after coding exon 11 in the TRDN gene. This nucleotide position is well conserved in available vertebrate species. In silico splice site analysis predicts that this alteration may weaken the native splice donor site. Based on the available evidence, the clinical significance of this variant remains unclear.

Labcorp Genetics (formerly Invitae), Labcorp
Classification: Uncertain significance for Catecholaminergic polymorphic ventricular tachycardia 1. Last evaluated: 2022-03-19. Review status: criteria provided, single submitter. Criteria: Invitae Variant Classification Sherloc (09022015). Collection method: clinical testing. Allele origin: germline.
Comment: This sequence change falls in intron 11 of the TRDN gene. It does not directly change the encoded amino acid sequence of the TRDN protein. It affects a nucleotide within the consensus splice site. This variant is present in population databases (no rsID available, gnomAD 0.007%). This variant has not been reported in the literature in individuals affected with TRDN-related conditions. Variants that disrupt the consensus splice site are a relatively common cause of aberrant splicing (PMID: 17576681, 9536098). Algorithms developed to predict the effect of sequence changes on RNA splicing suggest that this variant may disrupt the consensus splice site. In summary, the available evidence is currently insufficient to determine the role of this variant in disease. Therefore, it has been classified as a Variant of Uncertain Significance.

Literature cited by the submitters: PubMed 17576681 (cited by Labcorp Genetics (formerly Invitae), Labcorp); PubMed 9536098 (cited by Labcorp Genetics (formerly Invitae), Labcorp).

NM_006073.4(TRDN):c.991+3A>G

Gene: TRDN (triadin; minus strand). Cytogenetic location: 6q22.31.
Variant type: single nucleotide variant.
Coding change: c.991+3A>G on transcript NM_006073.4 (MANE Select); 3 bases into the intron after coding-DNA position 991, A replaced by G.
Molecular consequence: intron variant.
Genome position (GRCh38, 1-based): chr6:123,438,941, T>C on the plus strand (A>G on the coding strand, the complement: TRDN is on the minus strand). VCF-style: chr6-123438941-T-C. GRCh37 (hg19) VCF-style: chr6-123760086-T-C.
Other names: c.991+3A>G (NM_001251987.2).
Identifiers: ClinVar variation 1381230 (VCV001381230.7), dbSNP rs961504074, ClinGen allele CA147271009.